The following is an entry in ClinVar:

NM_006593.4(TBR1):c.278T>A (p.Leu93His)

Gene: TBR1 (T-box brain transcription factor 1; plus strand). Cytogenetic location: 2q24.2.
Variant type: single nucleotide variant.
Coding change: c.278T>A on transcript NM_006593.4 (MANE Select); coding-DNA position 278, T replaced by A.
Protein change: p.Leu93His; replaces leucine 93 with histidine.
Molecular consequence: missense variant.
Genome position (GRCh38, 1-based): chr2:161,416,688, T>A. VCF-style: chr2-161416688-T-A. GRCh37 (hg19) VCF-style: chr2-162273199-T-A.
Other names: short protein forms L93H.
Identifiers: ClinVar variation 2701932 (VCV002701932.3), dbSNP rs1430534386, ClinGen allele CA349211046.

ClinVar aggregate classification (germline): Uncertain significance (1 of 4 stars; one submission).

Allele frequency attached by ClinVar (database versions not stated): gnomAD exomes below 0.00001; TOPMed 0.00001.
gnomAD v4.1: 4 of 1,614,190 alleles (0.00025%); highest among the groups gnomAD compares: Admixed American, 0.0017%; no homozygotes.

Submission:

Labcorp Genetics (formerly Invitae), Labcorp
Classification: Uncertain significance. Last evaluated: 2023-12-09. Review status: criteria provided, single submitter. Criteria: Invitae Variant Classification Sherloc (09022015). Collection method: clinical testing. Allele origin: germline.
Comment: This sequence change replaces leucine, which is neutral and non-polar, with histidine, which is basic and polar, at codon 93 of the TBR1 protein (p.Leu93His). This variant is present in population databases (no rsID available, gnomAD 0.003%). This variant has not been reported in the literature in individuals affected with TBR1-related conditions. Advanced modeling of protein sequence and biophysical properties (such as structural, functional, and spatial information, amino acid conservation, physicochemical variation, residue mobility, and thermodynamic stability) performed at Invitae indicates that this missense variant is not expected to disrupt TBR1 protein function with a negative predictive value of 80%. In summary, the available evidence is currently insufficient to determine the role of this variant in disease. Therefore, it has been classified as a Variant of Uncertain Significance.